The following is an entry in ClinVar:

ClinVar aggregate classification (germline): Uncertain significance. Review status: criteria provided, multiple submitters, no conflicts (2 of 4 stars). 5 submissions from 5 submitters: Uncertain significance (5). Last evaluated 2026-09-14.

Conditions:
Hereditary cancer-predisposing syndrome. Also called: Neoplastic Syndromes, Hereditary; Hereditary Cancer Syndrome; Tumor predisposition; Hereditary neoplastic syndrome. Identifiers: Orphanet 140162, MedGen C0027672, MeSH D009386, MONDO:0015356.
Classic or attenuated familial adenomatous polyposis. Identifiers: MedGen CN372698, MONDO:0021057.
Familial adenomatous polyposis 1 (FAP1). Also called: POLYPOSIS, ADENOMATOUS INTESTINAL; FAMILIAL ADENOMATOUS POLYPOSIS 1, ATTENUATED. Identifiers: MedGen C2713442, MONDO:0021056, OMIM 175100. Disease mechanism: loss of function.

Submissions (5):

Hema, HEMA – Genetic and Molecular Diagnostic Laboratory
Classification: Uncertain significance for Classic or attenuated familial adenomatous polyposis. Last evaluated: 2026-09-14. Review status: criteria provided, single submitter. Criteria: HEMA Variant Classification Assertion Criteria. Collection method: clinical testing. Allele origin: germline.
Comment: The c.2437A>C p.(Asn813His) variant is a transversion from adenine to cytosine, resulting in the substitution of asparagine 813 with histidine. PM2_Supporting: Absent in gnomAD. BP1: Missense variant outside of codons 1021-1035 of APC and does not affect splicing (according to spliceAI) in a gene where pathogenic variants are primarily truncating.

Ambry Genetics
Classification: Uncertain significance for Hereditary cancer-predisposing syndrome. Last evaluated: 2025-09-20. Review status: criteria provided, single submitter. Criteria: Ambry Variant Classification Scheme 2023. Collection method: clinical testing. Allele origin: germline.
Comment: The p.N813H variant (also known as c.2437A>C), located in coding exon 15 of the APC gene, results from an A to C substitution at nucleotide position 2437. The asparagine at codon 813 is replaced by histidine, an amino acid with similar properties. This amino acid position is conserved. In addition, in silico predictors for this gene do not accurately predict pathogenicity. Based on the available evidence, the clinical significance of this variant remains unclear.

Color Diagnostics, LLC DBA Color Health
Classification: Uncertain significance for Hereditary cancer-predisposing syndrome. Last evaluated: 2024-03-07. Review status: criteria provided, single submitter. Criteria: ACMG Guidelines, 2015. Collection method: clinical testing. Allele origin: germline.
Comment: This missense variant replaces asparagine with histidine at codon 813 of the APC protein. Computational prediction tool suggests that this variant may not impact protein structure and function. Splice site prediction tools suggest that this variant may not impact RNA splicing. To our knowledge, functional studies have not been performed for this variant. This variant has not been reported in individuals affected with hereditary cancer in the literature. This variant has not been identified in the general population by the Genome Aggregation Database (gnomAD). The available evidence is insufficient to determine the role of this variant in disease conclusively. Therefore, this variant is classified as a Variant of Uncertain Significance.

Labcorp Genetics (formerly Invitae), Labcorp
Classification: Uncertain significance for Familial adenomatous polyposis 1. Last evaluated: 2024-01-29. Review status: criteria provided, single submitter. Criteria: Invitae Variant Classification Sherloc (09022015). Collection method: clinical testing. Allele origin: germline.
Comment: This sequence change replaces asparagine, which is neutral and polar, with histidine, which is basic and polar, at codon 813 of the APC protein (p.Asn813His). This variant is not present in population databases (gnomAD no frequency). This variant has not been reported in the literature in individuals affected with APC-related conditions. ClinVar contains an entry for this variant (Variation ID: 639264). Advanced modeling of protein sequence and biophysical properties (such as structural, functional, and spatial information, amino acid conservation, physicochemical variation, residue mobility, and thermodynamic stability) performed at Invitae indicates that this missense variant is not expected to disrupt APC protein function with a negative predictive value of 95%. In summary, the available evidence is currently insufficient to determine the role of this variant in disease. Therefore, it has been classified as a Variant of Uncertain Significance.

Mendelics
Classification: Uncertain significance. Last evaluated: 2022-05-04. Review status: criteria provided, single submitter. Criteria: Mendelics Assertion Criteria 2019. Collection method: clinical testing. Allele origin: germline.

NM_000038.6(APC):c.2437A>C (p.Asn813His)

Gene: APC (APC regulator of Wnt signaling pathway; plus strand). Cytogenetic location: 5q22.2.
Variant type: single nucleotide variant.
Coding change: c.2437A>C on transcript NM_000038.6 (MANE Select); coding-DNA position 2437, A replaced by C.
Protein change: p.Asn813His; replaces asparagine 813 with histidine.
Molecular consequence: missense variant.
Genome position (GRCh38, 1-based): chr5:112,838,031, A>C. VCF-style: chr5-112838031-A-C. GRCh37 (hg19) VCF-style: chr5-112173728-A-C.
Other names: c.2437A>C, p.Asn813His (NM_001127510.3, NM_001354895.2); c.2383A>C, p.Asn795His (NM_001127511.3); c.2491A>C, p.Asn831His (NM_001354896.2); c.2467A>C, p.Asn823His (NM_001354897.2); c.2362A>C, p.Asn788His (NM_001354898.2); c.2353A>C, p.Asn785His (NM_001354899.2); c.2314A>C, p.Asn772His (NM_001354900.2); c.2260A>C, p.Asn754His (NM_001354901.2); and 5 more; short protein forms N722H, N785H, N795H, N530H, N712H, N772H, N788H, N831H.
Identifiers: ClinVar variation 639264 (VCV000639264.17), dbSNP rs1580622204, ClinGen allele CA16026685.